The following is an entry in ClinVar:

ClinVar aggregate classification (germline): Uncertain significance (1 of 4 stars; one submission).

gnomAD v4.1: 1 of 1,611,782 alleles (0.000062%); highest among the groups gnomAD compares: African/African-American, 0.0013%; no homozygotes.

Submission:

Ambry Genetics
Classification: Uncertain significance. Last evaluated: 2025-08-29. Review status: criteria provided, single submitter. Criteria: Ambry Variant Classification Scheme 2023. Collection method: clinical testing. Allele origin: germline.
Comment: The p.P682S variant (also known as c.2044C>T), located in coding exon 8 of the RNF43 gene, results from a C to T substitution at nucleotide position 2044. The proline at codon 682 is replaced by serine, an amino acid with similar properties. This amino acid position is conserved. In addition, this alteration is predicted to be tolerated by in silico analysis. Based on the available evidence, the clinical significance of this variant remains unclear.

NM_017763.6(RNF43):c.2044C>T (p.Pro682Ser)

Gene: RNF43 (ring finger protein 43; minus strand). Cytogenetic location: 17q22.
Variant type: single nucleotide variant.
Coding change: c.2044C>T on transcript NM_017763.6 (MANE Select); coding-DNA position 2044, C replaced by T.
Protein change: p.Pro682Ser; replaces proline 682 with serine.
Molecular consequence: missense variant.
Genome position (GRCh38, 1-based): chr17:58,357,732, G>A on the plus strand (C>T on the coding strand, the complement: RNF43 is on the minus strand). VCF-style: chr17-58357732-G-A. GRCh37 (hg19) VCF-style: chr17-56435093-G-A.
Other names: c.2044C>T, p.Pro682Ser (NM_001305544.3, NM_001438820.1, NM_001438821.1 and 1 more transcripts); c.1663C>T, p.Pro555Ser (NM_001305545.2, NM_001437987.1); short protein forms P682S, P555S.
Identifiers: ClinVar variation 4155799 (VCV004155799.1).